The following is an entry in ClinVar:

ClinVar aggregate classification (germline): Uncertain significance (1 of 4 stars; one submission).

Submission:

GeneDx
Classification: Uncertain significance. Last evaluated: 2020-08-14. Review status: criteria provided, single submitter. Criteria: GeneDx Variant Classification Process June 2021. Collection method: clinical testing. Allele origin: germline. Affected: yes.
Comment: Not observed in large population cohorts (Lek 2016); In silico analysis supports that this missense variant does not alter protein structure/function; Has not been previously published as pathogenic or benign to our knowledge

NM_002485.5(NBN):c.2102A>G (p.His701Arg)

Gene: NBN (nibrin; minus strand). Cytogenetic location: 8q21.3.
Variant type: single nucleotide variant.
Coding change: c.2102A>G on transcript NM_002485.5 (MANE Select); coding-DNA position 2102, A replaced by G.
Protein change: p.His701Arg; replaces histidine 701 with arginine.
Molecular consequence: missense variant.
Genome position (GRCh38, 1-based): chr8:89,943,335, T>C on the plus strand (A>G on the coding strand, the complement: NBN is on the minus strand). VCF-style: chr8-89943335-T-C. GRCh37 (hg19) VCF-style: chr8-90955563-T-C.
Other names: c.1856A>G, p.His619Arg (NM_001024688.3); short protein forms H619R, H701R.
Identifiers: ClinVar variation 1313164 (VCV001313164.2), dbSNP rs2130755980, ClinGen allele CA371675725.
Genomic context (GRCh38, chr8:89,943,335, plus strand): 5'-TCTTCTAGTTCTGTATTCTTTCGAGCATGATGAGCTATTAGATCTGATCCTCCAATGATG[T>C]GTGGAAGTTTTCCTGCTCCAGGATATGTGACCTATTGAATAATAAAAGTAGTACAGTAAA-3'
Protein context (NP_002476.2, residues 691-711): VTYPGAGKLP[His701Arg]IIGGSDLIAH